The following is an entry in ClinVar:

ClinVar aggregate classification (germline): Uncertain significance (1 of 4 stars; one submission).

gnomAD v4.1: 1 of 1,614,218 alleles (0.000062%); highest among the groups gnomAD compares: Non-Finnish European, 0.000085%; no homozygotes.

Submission:

GeneDx
Classification: Uncertain significance. Last evaluated: 2026-09-08. Review status: criteria provided, single submitter. Criteria: GeneDx Variant Classification Process June 2021. Collection method: clinical testing. Allele origin: germline.
Comment: Not observed at significant frequency in large population cohorts (gnomAD); In silico analysis supports that this missense variant has a deleterious effect on protein structure/function; Has not been previously published as pathogenic or benign to our knowledge

NM_004815.4(ARHGAP29):c.1108A>G (p.Lys370Glu)

Gene: ARHGAP29 (Rho GTPase activating protein 29; minus strand). Cytogenetic location: 1p22.1.
Variant type: single nucleotide variant.
Coding change: c.1108A>G on transcript NM_004815.4 (MANE Select); coding-DNA position 1108, A replaced by G.
Protein change: p.Lys370Glu; replaces lysine 370 with glutamic acid.
Molecular consequence: missense variant.
Genome position (GRCh38, 1-based): chr1:94,202,579, T>C on the plus strand (A>G on the coding strand, the complement: ARHGAP29 is on the minus strand). VCF-style: chr1-94202579-T-C. GRCh37 (hg19) VCF-style: chr1-94668135-T-C.
Other names: c.1108A>G, p.Lys370Glu (NM_001328664.2, NM_001328666.2); c.916A>G, p.Lys306Glu (NM_001328665.2, NM_001328667.2); short protein forms K306E, K370E.
Identifiers: ClinVar variation 3369152 (VCV003369152.2).